The following is an entry in ClinVar:

NM_138711.6(PPARG):c.21A>G (p.Pro7=)

Gene: PPARG (peroxisome proliferator activated receptor gamma; plus strand). Cytogenetic location: 3p25.2.
Variant type: single nucleotide variant.
Coding change: c.21A>G on transcript NM_138711.6 (MANE Select); coding-DNA position 21, A replaced by G.
Protein change: p.Pro7=; no amino-acid change (proline 7 retained).
Molecular consequence: synonymous variant. On other transcripts: 5 prime UTR variant (1).
Genome position (GRCh38, 1-based): chr3:12,379,732, A>G. VCF-style: chr3-12379732-A-G. GRCh37 (hg19) VCF-style: chr3-12421231-A-G.
Other names: c.21A>G, p.Pro7= (NM_001330615.4, NM_001354666.3, NM_001354667.3 and 6 more transcripts); c.111A>G, p.Pro37= (NM_001354668.2, NM_001374265.1, NM_015869.5); c.-407A>G (NM_001354669.2); c.27A>G, p.Pro9= (NM_001354670.2, NM_001374266.1).
Identifiers: ClinVar variation 4979997 (VCV004979997.1).

ClinVar aggregate classification (germline): Likely benign (1 of 4 stars; one submission).

Conditions:
PPARG-related disorder. Also called: PPARG-related condition; PPARG-related disorders.

gnomAD v4.1: 45 of 1,613,912 alleles (0.0028%); highest among the groups gnomAD compares: South Asian, 0.0088%; no homozygotes.

Submission:

PreventionGenetics, part of Exact Sciences
Classification: Likely benign for PPARG-related condition. Last evaluated: 2025-03-26. Review status: criteria provided, single submitter. Criteria: ACMG Guidelines, 2015. Collection method: clinical testing. Allele origin: germline.
Comment: This variant is classified as likely benign based on ACMG/AMP sequence variant interpretation guidelines (Richards et al. 2015 PMID: 25741868, with internal and published modifications).